The following is an entry in ClinVar:

NM_020631.6(PLEKHG5):c.938G>A (p.Cys313Tyr)

Gene: PLEKHG5 (pleckstrin homology and RhoGEF domain containing G5; minus strand). Cytogenetic location: 1p36.31.
Variant type: single nucleotide variant.
Coding change: c.938G>A on transcript NM_020631.6 (MANE Select); coding-DNA position 938, G replaced by A.
Protein change: p.Cys313Tyr; replaces cysteine 313 with tyrosine.
Molecular consequence: missense variant.
Genome position (GRCh38, 1-based): chr1:6,473,032, C>T on the plus strand (G>A on the coding strand, the complement: PLEKHG5 is on the minus strand). VCF-style: chr1-6473032-C-T. GRCh37 (hg19) VCF-style: chr1-6533092-C-T.
Other names: c.1049G>A, p.Cys350Tyr (NM_001042663.3, NM_001265592.2); c.938G>A, p.Cys313Tyr (NM_001042664.2, NM_001042665.2, NM_001265594.3 and 1 more transcripts); c.1145G>A, p.Cys382Tyr (NM_001265593.2); short protein forms C350Y, C313Y, C382Y.
Identifiers: ClinVar variation 1942557 (VCV001942557.5), dbSNP rs1161214345, ClinGen allele CA338133764.
Genomic context (GRCh38, chr1:6,473,032, plus strand): 5'-TGGCCCGCACTCACCTCATGCCCATCAATGAGCTCCCGCCAGCTGTCCTCCAGCCTCAGG[C>T]AGGCATTGTCCTCATCCTCGTCTTCATCGTACTCCTCCTCCCAGGAGTCATGGTCGAAGC-3'
Protein context (NP_065682.2, residues 303-323): YDEDEDEDNA[Cys313Tyr]LRLEDSWREL

ClinVar aggregate classification (germline): Uncertain significance (1 of 4 stars; one submission).

Conditions:
Neuronopathy, distal hereditary motor, autosomal recessive 4. Also called: NEUROPATHY, DISTAL HEREDITARY MOTOR, AUTOSOMAL RECESSIVE 4; Autosomal recessive lower motor neuron disease with childhood onset. Identifiers: Orphanet 206580, MedGen C1970211, MONDO:0012608, OMIM 611067.
Charcot-Marie-Tooth disease recessive intermediate C. Also called: CHARCOT-MARIE-TOOTH NEUROPATHY, RECESSIVE INTERMEDIATE C. Identifiers: Orphanet 369867, MedGen C3809309, MONDO:0014154, OMIM 615376.

gnomAD v4.1: 1 of 1,614,084 alleles (0.000062%); no homozygotes.

Submission:

Labcorp Genetics (formerly Invitae), Labcorp
Classification: Uncertain significance for Neuronopathy, distal hereditary motor, autosomal recessive 4; Charcot-Marie-Tooth disease recessive intermediate C. Last evaluated: 2022-02-06. Review status: criteria provided, single submitter. Criteria: Invitae Variant Classification Sherloc (09022015). Collection method: clinical testing. Allele origin: germline.
Comment: In summary, the available evidence is currently insufficient to determine the role of this variant in disease. Therefore, it has been classified as a Variant of Uncertain Significance. Algorithms developed to predict the effect of missense changes on protein structure and function (SIFT, PolyPhen-2, Align-GVGD) all suggest that this variant is likely to be tolerated. This variant has not been reported in the literature in individuals affected with PLEKHG5-related conditions. This variant is present in population databases (no rsID available, gnomAD 0.006%). This sequence change replaces cysteine, which is neutral and slightly polar, with tyrosine, which is neutral and polar, at codon 313 of the PLEKHG5 protein (p.Cys313Tyr).